The following is an entry in ClinVar:

ClinVar aggregate classification (germline): Pathogenic/Likely pathogenic. Review status: criteria provided, multiple submitters, no conflicts (2 of 4 stars). 2 submissions from 2 submitters: Pathogenic (1); Likely pathogenic (1). Last evaluated 2025-03-26.

Allele frequency attached by ClinVar (database versions not stated): gnomAD exomes below 0.00001; gnomAD 0.00001; ExAC 0.00002; TOPMed 0.00002; ESP Exome Variant Server 0.00008.
gnomAD v4.1: 8 of 1,613,676 alleles (0.0005%); no homozygotes.

Submissions (2):

ARUP Laboratories, Molecular Genetics and Genomics, ARUP Laboratories
Classification: Likely pathogenic. Last evaluated: 2025-03-26. Review status: criteria provided, single submitter. Criteria: ARUP Molecular Germline Variant Investigation Process 2024. Collection method: clinical testing. Allele origin: germline.
Comment: The EPHB4 c.2718C>G; p.Tyr906Ter variant (rs370570826), to our knowledge, is not reported in the medical literature but is reported in ClinVar (Variation ID: 1936703). This variant is only observed on four alleles in the Genome Aggregation Database (v2.1.1), indicating it is not a common polymorphism. Additionally, another downstream truncating variant, p.Tyr924Ter, has been reported in an individual with capillary malformations and positive family history (Yeom 2023). The p.Tyr906Ter variant induces an early termination codon and is predicted to result in a truncated protein or mRNA subject to nonsense-mediated decay. Based on available information, this variant is considered to be likely pathogenic. References: Yeom S et al. Genetic testing in the evaluation of individuals with clinical diagnosis of atypical Sturge-Weber syndrome. Am J Med Genet A. 2023 Apr;191(4):983-994. Epub 2023 Jan 29. PMID: 36710374.

Labcorp Genetics (formerly Invitae), Labcorp
Classification: Pathogenic. Last evaluated: 2023-02-10. Review status: criteria provided, single submitter. Criteria: Invitae Variant Classification Sherloc (09022015). Collection method: clinical testing. Allele origin: germline.
Comment: This sequence change creates a premature translational stop signal (p.Tyr906*) in the EPHB4 gene. It is expected to result in an absent or disrupted protein product. Loss-of-function variants in EPHB4 are known to be pathogenic (PMID: 28687708). This variant is present in population databases (rs370570826, gnomAD 0.04%). This variant has not been reported in the literature in individuals affected with EPHB4-related conditions. For these reasons, this variant has been classified as Pathogenic.

Literature cited by the submitters: PubMed 28687708 (cited by Labcorp Genetics (formerly Invitae), Labcorp).

NM_004444.5(EPHB4):c.2718C>G (p.Tyr906Ter)

Gene: EPHB4 (EPH receptor B4; minus strand). Cytogenetic location: 7q22.1.
Variant type: single nucleotide variant.
Coding change: c.2718C>G on transcript NM_004444.5 (MANE Select); coding-DNA position 2718, C replaced by G.
Protein change: p.Tyr906Ter; replaces tyrosine 906 with a stop codon.
Molecular consequence: nonsense.
Genome position (GRCh38, 1-based): chr7:100,805,282, G>C on the plus strand (C>G on the coding strand, the complement: EPHB4 is on the minus strand). VCF-style: chr7-100805282-G-C. GRCh37 (hg19) VCF-style: chr7-100402904-G-C.
Other names: short protein forms Y906*.
Identifiers: ClinVar variation 1936703 (VCV001936703.6), dbSNP rs370570826, ClinGen allele CA4392541.
Genomic context (GRCh38, chr7:100,805,282, plus strand): 5'-TTCTTCGTATCTTCCCATTTTGATGGCCCGAAGCCACTCGCCCACAGAGCCAAAAGCTGA[G>C]TAGTGAGGCTGCCGCTGGTCCAGGAGAGGGTGTGAGGCCCTAGGGGGCAAGGATGGGGAG-3'